The following is an entry in ClinVar:

NM_000091.5(COL4A3):c.448del (p.Ala150fs)

Genes: COL4A3 (collagen type IV alpha 3 chain; plus strand), MFF-DT (MFF divergent transcript; minus strand). Cytogenetic location: 2q36.3.
Variant type: Deletion.
Coding change: c.448del on transcript NM_000091.5 (MANE Select); coding-DNA position 448, one base deleted (G; older notation c.448delG).
Protein change: p.Ala150fs; shifts the reading frame from alanine 150.
Molecular consequence: frameshift variant.
Genome position (GRCh38, 1-based): chr2:227,247,564, G deleted. VCF-style (leftmost placement, unchanged base first): chr2-227247563-TG-T. GRCh37 (hg19) VCF-style: chr2-228112279-TG-T.
Other names: short protein forms A150fs.
Identifiers: ClinVar variation 2105186 (VCV002105186.5), dbSNP rs2469517638, ClinGen allele CA2580065922.
Genomic context (GRCh38, chr2:227,247,563, plus strand): 5'-AGGAGTGTGTGCGTTTGATATTCCTCTAGTTGTTCATAGGTTGCTTTTTTCCTAGGGTGC[TG>T]CTGGTTTGAAAGGACAAAAGGTAAGTCATTGGTGGAATGCTGTCACTGAAAATCTCTAAC-3'

ClinVar aggregate classification (germline): Pathogenic/Likely pathogenic. Review status: criteria provided, multiple submitters, no conflicts (2 of 4 stars). 2 submissions from 2 submitters: Pathogenic (1); Likely pathogenic (1). Last evaluated 2024-06-13.

Conditions:
Autosomal dominant Alport syndrome (ATS3A). Also called: Alport syndrome dominant type; Renal failure and sensorineural hearing loss; ALPORT SYNDROME 3A, AUTOSOMAL DOMINANT. Identifiers: Orphanet 63, Orphanet 88918, MedGen C5882663, MONDO:0007086, OMIM 104200.
Alport syndrome 3b, autosomal recessive. Identifiers: MedGen C5882699, MONDO:0957811, OMIM 620536.
Hematuria, benign familial, 2 (BFH2). Identifiers: MedGen C5830421, MONDO:0958186, OMIM 620320.

Submissions (2):

Fulgent Genetics
Classification: Likely pathogenic for Autosomal dominant Alport syndrome; Hematuria, benign familial, 2; Alport syndrome 3b, autosomal recessive. Last evaluated: 2024-06-13. Review status: criteria provided, single submitter. Criteria: ACMG Guidelines, 2015. Collection method: clinical testing. Allele origin: germline.

Labcorp Genetics (formerly Invitae), Labcorp
Classification: Pathogenic. Last evaluated: 2023-02-04. Review status: criteria provided, single submitter. Criteria: Invitae Variant Classification Sherloc (09022015). Collection method: clinical testing. Allele origin: germline.
Comment: For these reasons, this variant has been classified as Pathogenic. This variant has not been reported in the literature in individuals affected with COL4A3-related conditions. This variant is not present in population databases (gnomAD no frequency). This sequence change creates a premature translational stop signal (p.Ala150Leufs*3) in the COL4A3 gene. It is expected to result in an absent or disrupted protein product. Loss-of-function variants in COL4A3 are known to be pathogenic (PMID: 8956999, 24854265, 26809805, 27281700).

Literature cited by the submitters: PubMed 8956999 (cited by Labcorp Genetics (formerly Invitae), Labcorp); PubMed 24854265 (cited by Labcorp Genetics (formerly Invitae), Labcorp); PubMed 26809805 (cited by Labcorp Genetics (formerly Invitae), Labcorp); PubMed 27281700 (cited by Labcorp Genetics (formerly Invitae), Labcorp).